The following is an entry in ClinVar:

NM_178857.6(RP1L1):c.4062G>A (p.Ala1354=)

Gene: RP1L1 (RP1 like 1). Cytogenetic location: 8p23.1.
Variant type: single nucleotide variant.
Coding change: c.4062G>A on transcript NM_178857.6 (MANE Select); coding-DNA position 4062, G replaced by A.
Protein change: p.Ala1354=; no amino-acid change (alanine 1354 retained).
Molecular consequence: synonymous variant.
Genome position (GRCh38, 1-based): chr8:10,610,036, C>T on the plus strand (G>A on the coding strand, the complement: RP1L1 is on the minus strand). VCF-style: chr8-10610036-C-T. GRCh37 (hg19) VCF-style: chr8-10467546-C-T.
Identifiers: ClinVar variation 361287 (VCV000361287.6), dbSNP rs375108865, ClinGen allele CA4624159.

ClinVar aggregate classification (germline): Benign/Likely benign. Review status: criteria provided, multiple submitters, no conflicts (2 of 4 stars). 2 submissions from 2 submitters: Benign (1); Likely benign (1). Last evaluated 2021-02-09.

Conditions:
Occult macular dystrophy (OCMD). Also called: OMD; OCCULT MACULAR DYSTROPHY, SUSCEPTIBILITY TO. Identifiers: Orphanet 247834, MedGen C3150833, MONDO:0013316, OMIM 613587, HP:0030636.

Allele frequency attached by ClinVar (database versions not stated): gnomAD exomes 0.00003; ESP Exome Variant Server 0.00008; gnomAD 0.00023 and 0.00024.
gnomAD v4.1: 44 of 1,354,568 alleles (0.0032%); highest among the groups gnomAD compares: African/African-American, 0.041%; no homozygotes.

Submissions (2):

Blueprint Genetics
Classification: Likely benign. Last evaluated: 2021-02-09. Review status: criteria provided, single submitter. Criteria: ACMG Guidelines, 2015. Collection method: clinical testing. Allele origin: germline.

Illumina Laboratory Services, Illumina
Classification: Benign for Occult macular dystrophy. Last evaluated: 2018-01-13. Review status: criteria provided, single submitter. Criteria: ICSL Variant Classification Criteria 13 December 2019. Collection method: clinical testing. Allele origin: germline.
Comment: This variant was observed in the ICSL laboratory as part of a predisposition screen in an ostensibly healthy population. It had not been previously curated by ICSL or reported in the Human Gene Mutation Database (HGMD: prior to June 1st, 2018), and was therefore a candidate for classification through an automated scoring system. Utilizing variant allele frequency, disease prevalence and penetrance estimates, and inheritance mode, an automated score was calculated to assess if this variant is too frequent to cause the disease. Based on the score and internal cut-off values, a variant classified as benign is not then subjected to further curation. The score for this variant resulted in a classification of benign for this disease.